The following is an entry in ClinVar:

ClinVar aggregate classification (germline): Pathogenic (0 of 4 stars; one submission).

Conditions:
Amelogenesis imperfecta (AI). Also called: Congenital enamel hypoplasia. Identifiers: Orphanet 88661, MedGen C0002452, MONDO:0019507, HP:0000705.

gnomAD v4.1: 2 of 1,602,288 alleles (0.00012%); highest among the groups gnomAD compares: Non-Finnish European, 0.00017%; no homozygotes.

Submission:

Dental Genetics Laboratory, Seoul National University School of Dentistry
Classification: Pathogenic for Amelogenesis Imperfecta. Review status: no assertion criteria provided. Collection method: clinical testing. Allele origin: maternal. Inheritance: Autosomal recessive inheritance. Affected: yes.
Comment: The missense mutation is not listed in dbSNP, and only 2 alleles were observed among 1,602,288 alleles in gnomAD v4.1.0 (allele frequency 0.000001248). In silico analyses unanimously predicted it to be pathogenic: the CADD score was 26, indicating a highly deleterious effect (scores ≥20); the PolyPhen-2 score was 1.000, indicating a probably damaging effect (sensitivity: 0.00; specificity: 1.00); MutationTaster predicted it to be disease-causing; and the MutPred score was 0.619, consistent with a likely pathogenic variant (scores >0.5). MutPred further predicted an altered ordered interface with a probability of 0.35 (p = 0.0058).

NM_000888.5(ITGB6):c.2312A>G (p.Asn771Ser)

Gene: ITGB6 (integrin subunit beta 6; minus strand). Cytogenetic location: 2q24.2.
Variant type: single nucleotide variant.
Coding change: c.2312A>G on transcript NM_000888.5 (MANE Select); coding-DNA position 2312, A replaced by G.
Protein change: p.Asn771Ser; replaces asparagine 771 with serine.
Molecular consequence: missense variant.
Genome position (GRCh38, 1-based): chr2:160,101,791, T>C on the plus strand (A>G on the coding strand, the complement: ITGB6 is on the minus strand). VCF-style: chr2-160101791-T-C. GRCh37 (hg19) VCF-style: chr2-160958302-T-C.
Other names: c.2312A>G, p.Asn771Ser (NM_001282353.2); c.2027A>G, p.Asn676Ser (NM_001282354.2); c.1991A>G, p.Asn664Ser (NM_001282355.2); c.2186A>G, p.Asn729Ser (NM_001282388.2); c.2093A>G, p.Asn698Ser (NM_001282389.2); c.1898A>G, p.Asn633Ser (NM_001282390.2); short protein forms N633S, N664S, N676S, N698S, N729S, N771S.
Identifiers: ClinVar variation 4813981 (VCV004813981.1).